The following is an entry in ClinVar:

ClinVar aggregate classification (germline): Uncertain significance. Review status: criteria provided, multiple submitters, no conflicts (2 of 4 stars). 2 submissions from 2 submitters: Uncertain significance (2). Last evaluated 2025-07-08.

Conditions:
Cranium bifidum occultum. Also called: Enlarged Parietal Foramina; CATLIN MARKS; CRANIUM BIFIDUM, HEREDITARY. Identifiers: MedGen C1868598, HP:0004423.
Inborn genetic diseases. Identifiers: MedGen C0950123, MeSH D030342.

Allele frequency attached by ClinVar (database versions not stated): gnomAD exomes 0.00001.
gnomAD v4.1: 20 of 1,610,766 alleles (0.0012%); highest among the groups gnomAD compares: Non-Finnish European, 0.0017%; no homozygotes.

Submissions (2):

Labcorp Genetics (formerly Invitae), Labcorp
Classification: Uncertain significance for Cranium bifidum occultum. Last evaluated: 2025-07-08. Review status: criteria provided, single submitter. Criteria: Invitae Variant Classification Sherloc (09022015). Collection method: clinical testing. Allele origin: germline.
Comment: This sequence change replaces proline, which is neutral and non-polar, with leucine, which is neutral and non-polar, at codon 119 of the MSX2 protein (p.Pro119Leu). This variant is present in population databases (rs777537313, gnomAD 0.002%). This variant has not been reported in the literature in individuals affected with MSX2-related conditions. ClinVar contains an entry for this variant (Variation ID: 3212900). Invitae Evidence Modeling of protein sequence and biophysical properties (such as structural, functional, and spatial information, amino acid conservation, physicochemical variation, residue mobility, and thermodynamic stability) indicates that this missense variant is not expected to disrupt MSX2 protein function with a negative predictive value of 80%. In summary, the available evidence is currently insufficient to determine the role of this variant in disease. Therefore, it has been classified as a Variant of Uncertain Significance.

Ambry Genetics
Classification: Uncertain significance for Inborn genetic diseases. Last evaluated: 2023-12-27. Review status: criteria provided, single submitter. Criteria: Ambry Variant Classification Scheme 2023. Collection method: clinical testing. Allele origin: germline.

NM_002449.5(MSX2):c.356C>T (p.Pro119Leu)

Gene: MSX2 (msh homeobox 2; plus strand). Cytogenetic location: 5q35.2.
Variant type: single nucleotide variant.
Coding change: c.356C>T on transcript NM_002449.5 (MANE Select); coding-DNA position 356, C replaced by T.
Protein change: p.Pro119Leu; replaces proline 119 with leucine.
Molecular consequence: missense variant.
Genome position (GRCh38, 1-based): chr5:174,725,015, C>T. VCF-style: chr5-174725015-C-T. GRCh37 (hg19) VCF-style: chr5-174152018-C-T.
Other names: c.356C>T, p.Pro119Leu (NM_001363626.2); short protein forms P119L.
Identifiers: ClinVar variation 3212900 (VCV003212900.2), dbSNP rs777537313, ClinGen allele CA3565143.